The following is an entry in ClinVar:

ClinVar aggregate classification (germline): Uncertain significance (1 of 4 stars; one submission).

Submission:

Labcorp Genetics (formerly Invitae), Labcorp
Classification: Uncertain significance. Last evaluated: 2021-11-13. Review status: criteria provided, single submitter. Criteria: Invitae Variant Classification Sherloc (09022015). Collection method: clinical testing. Allele origin: germline.
Comment: In summary, the available evidence is currently insufficient to determine the role of this variant in disease. Therefore, it has been classified as a Variant of Uncertain Significance. This sequence change affects the initiator methionine of the WHRN mRNA. The next in-frame methionine is located at codon 93. This variant is not present in population databases (gnomAD no frequency). This variant has not been reported in the literature in individuals affected with WHRN-related conditions. Experimental studies and prediction algorithms are not available or were not evaluated, and the functional significance of this variant is currently unknown.

NM_015404.4(WHRN):c.3G>T (p.Met1Ile)

Gene: WHRN (whirlin; minus strand). Cytogenetic location: 9q32.
Variant type: single nucleotide variant.
Coding change: c.3G>T on transcript NM_015404.4 (MANE Select); coding-DNA position 3, G replaced by T.
Protein change: p.Met1Ile; changes the start codon (methionine 1).
Molecular consequence: missense variant, initiator codon variant.
Genome position (GRCh38, 1-based): chr9:114,504,799, C>A on the plus strand (G>T on the coding strand, the complement: WHRN is on the minus strand). VCF-style: chr9-114504799-C-A. GRCh37 (hg19) VCF-style: chr9-117267079-C-A.
Other names: c.3G>T, p.Met1Ile (NM_001173425.2); short protein forms M1I.
Identifiers: ClinVar variation 1393125 (VCV001393125.6), dbSNP rs2133485628, ClinGen allele CA374614985.